The following is an entry in ClinVar:

NM_000064.4(C3):c.3470T>C (p.Ile1157Thr)

Gene: C3 (complement C3; minus strand). Cytogenetic location: 19p13.3.
Variant type: single nucleotide variant.
Coding change: c.3470T>C on transcript NM_000064.4 (MANE Select); coding-DNA position 3470, T replaced by C.
Protein change: p.Ile1157Thr; replaces isoleucine 1157 with threonine.
Molecular consequence: missense variant.
Genome position (GRCh38, 1-based): chr19:6,690,648, A>G on the plus strand (T>C on the coding strand, the complement: C3 is on the minus strand). VCF-style: chr19-6690648-A-G. GRCh37 (hg19) VCF-style: chr19-6690659-A-G.
Other names: p.Ile1157Thr; short protein forms I1157T.
Identifiers: ClinVar variation 988243 (VCV000988243.3), dbSNP rs1918142335, ClinGen allele CA403624011.
Genomic context (GRCh38, chr19:6,690,648, plus strand): 5'-CGGGTAAGGTAGGGTAGGGTGGGAAGATGGAGGGCACTTACGTTGACCTGCTCCTCGCAA[A>G]TATCTTTAGCCTCCTGCAGCGAGATGAGAACAAAGGCCGTGAGGGCCATGTCTTTCTCGT-3'
Protein context (NP_000055.2, residues 1147-1167): VLISLQEAKD[Ile1157Thr]CEEQVNSLPG

ClinVar aggregate classification (germline): Pathogenic/Likely pathogenic. Review status: criteria provided, multiple submitters, no conflicts (2 of 4 stars). 3 submissions from 3 submitters: Pathogenic (1); Likely pathogenic (1). 1 of the submissions does not count toward it. Last evaluated 2025-09-30.

Conditions:
Atypical hemolytic-uremic syndrome. Identifiers: Orphanet 2134, MedGen C2931788, MONDO:0016244.

Submissions (3):

Genomenon, Inc
Classification: Likely pathogenic for Atypical hemolytic-uremic syndrome. Last evaluated: 2025-09-30. Review status: criteria provided, single submitter. Criteria: Genomenon Sequence Variant Interpretation Standards. Collection method: curation. Allele origin: germline. Affected: yes.
Comment: C3 p.Ile1157Thr (c.3470T>C) is a missense variant that changes the amino acid at residue 1157 from Isoleucine to Threonine. This variant has been observed in at least one proband affected with atypical hemolytic-uremic syndrome (PMID:29695177;23314101;25608561;26826462;39081762;25879158;32166254;27139899;33087669;27194432;26572892). The variant was found to segregate with disease in at least one affected family (PMID:29695177;23314101;25879158). Functional studies have been reported; however, the significance of the findings remain unclear (PMID:25879158;25608561). It is absent or not present at a significant frequency in gnomAD. In conclusion, we classify C3 p.Ile1157Thr (c.3470T>C) as a likely pathogenic variant.

Mayo Clinic Laboratories, Mayo Clinic
Classification: Pathogenic. Last evaluated: 2025-09-18. Review status: criteria provided, single submitter. Criteria: ACMG Guidelines, 2015. Collection method: clinical testing. Allele origin: germline. Observed: 1 variant allele.
Comment: PP1_strong, PM2_supporting, PS3_moderate, PS4

Sydney Genome Diagnostics, Children's Hospital Westmead
Classification: Pathogenic for Atypical hemolytic-uremic syndrome. Last evaluated: 2018-09-06. Review status: no assertion criteria provided. Collection method: clinical testing. Allele origin: unknown. Affected: yes. Observed: 1 variant allele, 1 heterozygote. Not counted in ClinVar's aggregate classification.
Comment: This variant has been reported in multiple patients with atypical haemolytic uraemic syndrome (aHUS) in the UCL aHUS mutation database. No other pathogenic variant in the complement genes was reported in these patients.

Literature cited by the submitters: PubMed 29695177 (cited by Genomenon, Inc); PubMed 23314101 (cited by Genomenon, Inc and Mayo Clinic Laboratories, Mayo Clinic); PubMed 25608561 (cited by Genomenon, Inc and Mayo Clinic Laboratories, Mayo Clinic); PubMed 26826462 (cited by Genomenon, Inc); PubMed 39081762 (cited by Genomenon, Inc); PubMed 25879158 (cited by Genomenon, Inc and Mayo Clinic Laboratories, Mayo Clinic); PubMed 32166254 (cited by Genomenon, Inc and Mayo Clinic Laboratories, Mayo Clinic); PubMed 27139899 (cited by Genomenon, Inc); PubMed 33087669 (cited by Genomenon, Inc and Mayo Clinic Laboratories, Mayo Clinic); PubMed 27194432 (cited by Genomenon, Inc); PubMed 26572892 (cited by Genomenon, Inc and Mayo Clinic Laboratories, Mayo Clinic); PubMed 20513133 (cited by Mayo Clinic Laboratories, Mayo Clinic); PubMed 25135378 (cited by Mayo Clinic Laboratories, Mayo Clinic); PubMed 26840081 (cited by Mayo Clinic Laboratories, Mayo Clinic); PubMed 36123058 (cited by Mayo Clinic Laboratories, Mayo Clinic); PubMed 37369098 (cited by Mayo Clinic Laboratories, Mayo Clinic); PubMed 37795781 (cited by Mayo Clinic Laboratories, Mayo Clinic); PubMed 39107421 (cited by Mayo Clinic Laboratories, Mayo Clinic); PubMed 39917338 (cited by Mayo Clinic Laboratories, Mayo Clinic); PubMed 40478487 (cited by Mayo Clinic Laboratories, Mayo Clinic); PubMed 40930830 (cited by Mayo Clinic Laboratories, Mayo Clinic).